The following is an entry in ClinVar:

NM_000093.5(COL5A1):c.458C>T (p.Pro153Leu)

Gene: COL5A1 (collagen type V alpha 1 chain; plus strand). Cytogenetic location: 9q34.3.
Variant type: single nucleotide variant.
Coding change: c.458C>T on transcript NM_000093.5 (MANE Select); coding-DNA position 458, C replaced by T.
Protein change: p.Pro153Leu; replaces proline 153 with leucine.
Molecular consequence: missense variant.
Genome position (GRCh38, 1-based): chr9:134,700,089, C>T. VCF-style: chr9-134700089-C-T. GRCh37 (hg19) VCF-style: chr9-137591935-C-T.
Other names: p.P153L:CCC>CTC; c.458C>T, p.Pro153Leu (NM_001278074.1); short protein forms P153L.
Identifiers: ClinVar variation 213069 (VCV000213069.2), dbSNP rs771925785, ClinGen allele CA323532.

ClinVar aggregate classification (germline): Uncertain significance (1 of 4 stars; one submission).

gnomAD v4.1: 3 of 1,609,850 alleles (0.00019%); highest among the groups gnomAD compares: Non-Finnish European, 0.00025%; no homozygotes.

Submission:

GeneDx
Classification: Uncertain significance. Last evaluated: 2014-12-02. Review status: criteria provided, single submitter. Criteria: GeneDx Variant Classification (06012015). Collection method: clinical testing. Allele origin: germline. Affected: yes.
Comment: p.Pro153Leu (CCC>CTC): c.458 C>T in exon 3 of the COL5A1 gene (NM_000093.3) The P153L variant has not been published as a mutation, nor has it been reported as a benign polymorphism to our knowledge. The P153L variant was not observed in approximately 6,500 individuals of European and African American ancestry in the NHLBI Exome Sequencing Project, indicating it is not a common benign variant in these populations. The P153L variant is a semi-conservative amino acid substitution, which may impact secondary protein structure as these residues differ in some properties. This substitution occurs at a position that is conserved across species. In silico analysis predicts this variant is probably damaging to the protein structure/function. Missense mutations in nearby residues have not been reported, indicating this region of the protein may tolerate change. Therefore, based on the currently available information, it is unclear whether this variant is a pathogenic mutation or a rare benign variantThis variant was found in TAADV2-1